The following is an entry in ClinVar:

NM_002474.3(MYH11):c.2158G>A (p.Val720Ile)

Gene: MYH11 (myosin heavy chain 11; minus strand). Cytogenetic location: 16p13.11.
Variant type: single nucleotide variant.
Coding change: c.2158G>A on transcript NM_002474.3 (MANE Select); coding-DNA position 2158, G replaced by A.
Protein change: p.Val720Ile; replaces valine 720 with isoleucine.
Molecular consequence: missense variant.
Genome position (GRCh38, 1-based): chr16:15,748,069, C>T on the plus strand (G>A on the coding strand, the complement: MYH11 is on the minus strand). VCF-style: chr16-15748069-C-T. GRCh37 (hg19) VCF-style: chr16-15841926-C-T.
Other names: c.2158G>A (NM_002474.2); c.2179G>A, p.Val727Ile (NM_001040113.2, NM_001040114.2); c.2158G>A, p.Val720Ile (NM_022844.3); short protein forms V720I, V727I.
Identifiers: ClinVar variation 1332617 (VCV001332617.10), dbSNP rs756408490, ClinGen allele CA7922379.

ClinVar aggregate classification (germline): Uncertain significance. Review status: criteria provided, multiple submitters, no conflicts (2 of 4 stars). 6 submissions from 6 submitters: Uncertain significance (6). Last evaluated 2026-03-31.

Conditions:
Visceral myopathy 2. Identifiers: MedGen C5543466, MONDO:0859157, OMIM 619350.
Megacystis-microcolon-intestinal hypoperistalsis syndrome 2. Identifiers: MedGen C5543476, MONDO:0025708, OMIM 619351.
Aortic aneurysm, familial thoracic 4 (AAT4). Also called: AORTIC ANEURYSM/AORTIC DISSECTION AND PATENT DUCTUS ARTERIOSUS. Identifiers: MedGen C1851504, MONDO:0007568, OMIM 132900.
Familial thoracic aortic aneurysm and aortic dissection (TAAD). Also called: Thoracic aortic aneurysms and dissections. Identifiers: Orphanet 91387, MedGen C4707243, MONDO:0019625.

Allele frequency attached by ClinVar (database versions not stated): gnomAD exomes 0.00001; gnomAD 0.00003; ExAC 0.00001.
gnomAD v4.1: 18 of 1,614,106 alleles (0.0011%); highest among the groups gnomAD compares: African/African-American, 0.0027%; no homozygotes.

Submissions (6):

Ambry Genetics
Classification: Uncertain significance for Familial thoracic aortic aneurysm and aortic dissection. Last evaluated: 2026-03-31. Review status: criteria provided, single submitter. Criteria: Ambry Variant Classification Scheme 2023. Collection method: clinical testing. Allele origin: germline.
Comment: The p.V720I variant (also known as c.2158G>A), located in coding exon 16 of the MYH11 gene, results from a G to A substitution at nucleotide position 2158. The valine at codon 720 is replaced by isoleucine, an amino acid with highly similar properties. This amino acid position is well conserved in available vertebrate species. In addition, this alteration is predicted to be tolerated by in silico analysis. Based on the available evidence, the clinical significance of this variant remains unclear.

All of Us Research Program, National Institutes of Health
Classification: Uncertain significance for Familial thoracic aortic aneurysm and aortic dissection. Last evaluated: 2023-09-09. Review status: criteria provided, single submitter. Criteria: ACMG Guidelines, 2015. Collection method: clinical testing. Allele origin: germline. Inheritance: Autosomal dominant inheritance. Observed: 2 variant alleles, 2 heterozygotes.
Comment: This missense variant replaces valine with isoleucine at codon 727 of the MYH11 protein. Computational prediction suggests that this variant may not impact protein structure and function (internally defined REVEL score threshold <= 0.5, PMID: 27666373). To our knowledge, functional studies have not been reported for this variant. This variant has not been reported in individuals affected with cardiovascular disorders in the literature. This variant has been identified in 5/282790 chromosomes in the general population by the Genome Aggregation Database (gnomAD). The available evidence is insufficient to determine the role of this variant in disease conclusively. Therefore, this variant is classified as a Variant of Uncertain Significance.

This study involves interpretation of variants in research participants for the purpose of population health screening. Participant phenotype was not available at the time of variant classification. Additional details can be found in publication PMID: 35346344, PMCID: PMC8962531

Color Diagnostics, LLC DBA Color Health
Classification: Uncertain significance for Familial thoracic aortic aneurysm and aortic dissection. Last evaluated: 2023-08-09. Review status: criteria provided, single submitter. Criteria: ACMG Guidelines, 2015. Collection method: clinical testing. Allele origin: germline.
Comment: This missense variant replaces valine with isoleucine at codon 727 of the MYH11 protein. Computational prediction suggests that this variant may not impact protein structure and function (internally defined REVEL score threshold <= 0.5, PMID: 27666373). To our knowledge, functional studies have not been reported for this variant. This variant has not been reported in individuals affected with MYH11-related disorders in the literature. This variant has been identified in 5/282790 chromosomes in the general population by the Genome Aggregation Database (gnomAD). The available evidence is insufficient to determine the role of this variant in disease conclusively. Therefore, this variant is classified as a Variant of Uncertain Significance.

Fulgent Genetics
Classification: Uncertain significance for Aortic aneurysm, familial thoracic 4; Visceral myopathy 2; Megacystis-microcolon-intestinal hypoperistalsis syndrome 2. Last evaluated: 2021-09-29. Review status: criteria provided, single submitter. Criteria: ACMG Guidelines, 2015. Collection method: clinical testing. Allele origin: unknown.

Labcorp Genetics (formerly Invitae), Labcorp
Classification: Uncertain significance for Aortic aneurysm, familial thoracic 4. Last evaluated: 2021-08-31. Review status: criteria provided, single submitter. Criteria: Invitae Variant Classification Sherloc (09022015). Collection method: clinical testing. Allele origin: germline.
Comment: This sequence change replaces valine with isoleucine at codon 727 of the MYH11 protein (p.Val727Ile). The valine residue is highly conserved and there is a small physicochemical difference between valine and isoleucine. This variant is present in population databases (rs756408490, ExAC 0.002%). This variant has not been reported in the literature in individuals affected with MYH11-related conditions. Algorithms developed to predict the effect of missense changes on protein structure and function are either unavailable or do not agree on the potential impact of this missense change (SIFT: "Deleterious"; PolyPhen-2: "Benign"; Align-GVGD: "Class C25"). In summary, the available evidence is currently insufficient to determine the role of this variant in disease. Therefore, it has been classified as a Variant of Uncertain Significance.

Victorian Clinical Genetics Services, Murdoch Childrens Research Institute
Classification: Uncertain significance for Aortic aneurysm, familial thoracic 4. Last evaluated: 2021-05-06. Review status: criteria provided, single submitter. Criteria: ACMG Guidelines, 2015. Collection method: clinical testing. Allele origin: germline. Inheritance: Autosomal dominant inheritance.
Comment: Based on the classification scheme VCGS_Germline_v1.3.4, this variant is classified as VUS-3C. Following criteria are met: 0102 - Loss of function is a known mechanism of disease in this gene and is associated with megacystis-microcolon-intestinal-hypoperistalsis syndrome (MMIHS). The disease mechanism for chronic intestinal pseudo-obstruction (CIPO) and familial thoracic aortic aneurysm 4 (MIM#132900) is unclear however loss of function and dominant negative have been suggested respectively. (PMID: 31944481) (I) 0108 - This gene is associated with both recessive and dominant disease. MMIHS is autosomal recessive form of disease caused by both missense variants and those resulting in a premature termination codon. Familial thoracic aortic aneurysm 4 is autosomal dominant and has been reported in patients with splice, missense and inframe deletion variants. CIPO is autosomal dominant and has only been reported in patients with protein elongation variants exclusive to isoform SM2. (PMIDs: 31389005, 31944481) (I) 0200 - Variant is predicted to result in a missense amino acid change from valine to isoleucine. (I) 0251 - This variant is heterozygous. (I) 0302 - Variant is present in gnomAD (v2) <0.001 for a dominant condition (5 heterozygotes, 0 homozygotes). (SP) 0503 - Missense variant consistently predicted to be tolerated by multiple in silico tools or not conserved in placental mammals with a minor amino acid change. (SB) 0600 - Variant is located in the annotated converter subdomain within the myosin motor domain (NCBI). (I) 0705 - No comparable missense variants have previous evidence for pathogenicity. (I) 0807 - This variant has no previous evidence of pathogenicity. (I) 0905 - No published segregation evidence has been identified for this variant. (I) 1007 - No published functional evidence has been identified for this variant. (I) 1208 - Inheritance information for this variant is not currently available in this individual. (I) Legend: (SP) - Supporting pathogenic, (I) - Information, (SB) - Supporting benign

Literature cited by the submitters: PubMed 31389005 (cited by Victorian Clinical Genetics Services, Murdoch Childrens Research Institute); PubMed 31944481 (cited by Victorian Clinical Genetics Services, Murdoch Childrens Research Institute).